The following is an entry in ClinVar:

NM_005235.3(ERBB4):c.3570T>C (p.Asn1190=)

Gene: ERBB4 (erb-b2 receptor tyrosine kinase 4; minus strand). Cytogenetic location: 2q34.
Variant type: single nucleotide variant.
Coding change: c.3570T>C on transcript NM_005235.3 (MANE Select); coding-DNA position 3570, T replaced by C.
Protein change: p.Asn1190=; no amino-acid change (asparagine 1190 retained).
Molecular consequence: synonymous variant.
Genome position (GRCh38, 1-based): chr2:211,383,972, A>G on the plus strand (T>C on the coding strand, the complement: ERBB4 is on the minus strand). VCF-style: chr2-211383972-A-G. GRCh37 (hg19) VCF-style: chr2-212248697-A-G.
Other names: c.3522T>C, p.Asn1174= (NM_001042599.2).
Identifiers: ClinVar variation 2877613 (VCV002877613.4), dbSNP rs2062629569, ClinGen allele CA431125271.

ClinVar aggregate classification (germline): Likely benign. Review status: criteria provided, single submitter (1 of 4 stars). 2 submissions from 2 submitters: Likely benign (1). 1 of the submissions does not count toward it. Last evaluated 2024-01-08.

Conditions:
ERBB4-related disorder. Also called: ERBB4-related condition.

Allele frequency attached by ClinVar (database versions not stated): TOPMed below 0.00001.

Submissions (2):

Labcorp Genetics (formerly Invitae), Labcorp
Classification: Likely benign. Last evaluated: 2024-01-08. Review status: criteria provided, single submitter. Criteria: Invitae Variant Classification Sherloc (09022015). Collection method: clinical testing. Allele origin: germline.

PreventionGenetics, part of Exact Sciences
Classification: Likely benign for ERBB4-related condition. Last evaluated: 2023-10-11. Review status: no assertion criteria provided. Collection method: clinical testing. Allele origin: germline. Not counted in ClinVar's aggregate classification.
Comment: This variant is classified as likely benign based on ACMG/AMP sequence variant interpretation guidelines (Richards et al. 2015 PMID: 25741868, with internal and published modifications).